The following is an entry in ClinVar:

NM_001393769.1(MED12L):c.982A>G (p.Ser328Gly)

Gene: MED12L (mediator complex subunit 12L; plus strand). Cytogenetic location: 3q25.1.
Variant type: single nucleotide variant.
Coding change: c.982A>G on transcript NM_001393769.1 (MANE Select); coding-DNA position 982, A replaced by G.
Protein change: p.Ser328Gly; replaces serine 328 with glycine.
Molecular consequence: missense variant.
Genome position (GRCh38, 1-based): chr3:151,159,976, A>G. VCF-style: chr3-151159976-A-G. GRCh37 (hg19) VCF-style: chr3-150877763-A-G.
Other names: c.982A>G, p.Ser328Gly (NM_053002.6); short protein forms S328G.
Identifiers: ClinVar variation 2580557 (VCV002580557.2), dbSNP rs1284240491, ClinGen allele CA354957137.

ClinVar aggregate classification (germline): Uncertain significance (1 of 4 stars; one submission).

Submission:

GeneDx
Classification: Uncertain significance. Last evaluated: 2024-09-20. Review status: criteria provided, single submitter. Criteria: GeneDx Variant Classification Process June 2021. Collection method: clinical testing. Allele origin: germline.
Comment: Not observed at significant frequency in large population cohorts (gnomAD); In silico analysis indicates that this missense variant does not alter protein structure/function; Has not been previously published as pathogenic or benign to our knowledge